The following is an entry in ClinVar:

NM_144736.5(NDUFAF7):c.846C>T (p.Ile282=)

Gene: NDUFAF7 (NADH:ubiquinone oxidoreductase complex assembly factor 7; plus strand). Cytogenetic location: 2p22.2.
Variant type: single nucleotide variant.
Coding change: c.846C>T on transcript NM_144736.5 (MANE Select); coding-DNA position 846, C replaced by T.
Protein change: p.Ile282=; no amino-acid change (isoleucine 282 retained).
Molecular consequence: synonymous variant. On other transcripts: non-coding transcript variant (10).
Genome position (GRCh38, 1-based): chr2:37,246,105, C>T. VCF-style: chr2-37246105-C-T. GRCh37 (hg19) VCF-style: chr2-37473248-C-T.
Other names: c.552C>T, p.Ile184= (NM_001083946.2); c.846C>T, p.Ile282= (NM_001350024.2); c.765C>T, p.Ile255= (NM_001350025.2); c.633C>T, p.Ile211= (NM_001350027.2).
Identifiers: ClinVar variation 385676 (VCV000385676.8), dbSNP rs145121976, ClinGen allele CA1617311.

ClinVar aggregate classification (germline): Likely benign. Review status: criteria provided, multiple submitters, no conflicts (2 of 4 stars). 2 submissions from 2 submitters: Likely benign (2). Last evaluated 2022-09-12.

Allele frequency attached by ClinVar (database versions not stated): gnomAD 0.00001 and 0.00002.
gnomAD v4.1: 52 of 1,613,724 alleles (0.0032%); highest among the groups gnomAD compares: Non-Finnish European, 0.0044%; no homozygotes.

Submissions (2):

Labcorp Genetics (formerly Invitae), Labcorp
Classification: Likely benign. Last evaluated: 2022-09-12. Review status: criteria provided, single submitter. Criteria: Invitae Variant Classification Sherloc (09022015). Collection method: clinical testing. Allele origin: germline.

GeneDx
Classification: Likely benign. Last evaluated: 2016-05-12. Review status: criteria provided, single submitter. Criteria: GeneDx Variant Classification (06012015). Collection method: clinical testing. Allele origin: germline. Affected: yes.
Comment: This variant is considered likely benign or benign based on one or more of the following criteria: it is a conservative change, it occurs at a poorly conserved position in the protein, it is predicted to be benign by multiple in silico algorithms, and/or has population frequency not consistent with disease.